The following is an entry in ClinVar:

NC_000011.10:g.(?_44206773)_(44206979_?)del

Gene: EXT2 (exostosin glycosyltransferase 2; plus strand). Cytogenetic location: 11p11.2.
Variant type: Deletion.
Identifiers: ClinVar variation 465696 (VCV000465696.1).

ClinVar aggregate classification (germline): Pathogenic (1 of 4 stars; one submission).

Conditions:
Exostoses, multiple, type 2 (EXT2). Also called: Hereditary Multiple Osteochondromatosis, Type II; EXOSTOSES, MULTIPLE, TYPE II. Identifiers: Orphanet 321, MedGen C1851413, MONDO:0007586, OMIM 133701.

Submission:

Labcorp Genetics (formerly Invitae), Labcorp
Classification: Pathogenic for Exostoses, multiple, type 2. Last evaluated: 2017-06-30. Review status: criteria provided, single submitter. Criteria: Invitae Variant Classification Sherloc (09022015). Collection method: clinical testing. Allele origin: germline.
Comment: This variant is an out-of-frame deletion of the genomic region encompassing exon 10 of the EXT2 gene. This creates a premature translational stop signal and is expected to result in an absent or disrupted protein product. This variant has not been reported in the literature in individuals with EXT2-related disease. Loss-of-function variants in EXT2 are known to be pathogenic (PMID: 19810120). For these reasons, this variant has been classified as Pathogenic.